The following is an entry in ClinVar:

ClinVar aggregate classification (germline): Uncertain significance. Review status: criteria provided, multiple submitters, no conflicts (2 of 4 stars). 2 submissions from 2 submitters: Uncertain significance (2). Last evaluated 2025-03-20.

Conditions:
Exostoses, multiple, type 2 (EXT2). Also called: Hereditary Multiple Osteochondromatosis, Type II; EXOSTOSES, MULTIPLE, TYPE II. Identifiers: Orphanet 321, MedGen C1851413, MONDO:0007586, OMIM 133701.

Allele frequency attached by ClinVar (database versions not stated): gnomAD exomes below 0.00001; TOPMed 0.00001.
gnomAD v4.1: 6 of 1,614,110 alleles (0.00037%); highest among the groups gnomAD compares: East Asian, 0.013%; no homozygotes.

Submissions (2):

Labcorp Genetics (formerly Invitae), Labcorp
Classification: Uncertain significance for Exostoses, multiple, type 2. Last evaluated: 2025-03-20. Review status: criteria provided, single submitter. Criteria: Invitae Variant Classification Sherloc (09022015). Collection method: clinical testing. Allele origin: germline.
Comment: This sequence change replaces glycine, which is neutral and non-polar, with serine, which is neutral and polar, at codon 11 of the EXT2 protein (p.Gly11Ser). This variant is not present in population databases (gnomAD no frequency). This variant has not been reported in the literature in individuals affected with EXT2-related conditions. ClinVar contains an entry for this variant (Variation ID: 304573). Invitae Evidence Modeling of protein sequence and biophysical properties (such as structural, functional, and spatial information, amino acid conservation, physicochemical variation, residue mobility, and thermodynamic stability) indicates that this missense variant is not expected to disrupt EXT2 protein function with a negative predictive value of 95%. In summary, the available evidence is currently insufficient to determine the role of this variant in disease. Therefore, it has been classified as a Variant of Uncertain Significance.

Illumina Laboratory Services, Illumina
Classification: Uncertain significance for Exostoses, multiple, type 2. Last evaluated: 2018-01-13. Review status: criteria provided, single submitter. Criteria: ICSL Variant Classification Criteria 13 December 2019. Collection method: clinical testing. Allele origin: germline.

NM_207122.2(EXT2):c.31G>A (p.Gly11Ser)

Gene: EXT2 (exostosin glycosyltransferase 2; plus strand). Cytogenetic location: 11p11.2.
Variant type: single nucleotide variant.
Coding change: c.31G>A on transcript NM_207122.2 (MANE Select); coding-DNA position 31, G replaced by A.
Protein change: p.Gly11Ser; replaces glycine 11 with serine.
Molecular consequence: missense variant.
Genome position (GRCh38, 1-based): chr11:44,107,743, G>A. VCF-style: chr11-44107743-G-A. GRCh37 (hg19) VCF-style: chr11-44129293-G-A.
Other names: c.130G>A, p.Gly44Ser (NM_000401.3); c.31G>A, p.Gly11Ser (NM_001178083.3, NM_001389628.1, NM_001389630.1); short protein forms G44S, G11S.
Identifiers: ClinVar variation 304573 (VCV000304573.9), dbSNP rs886048274, ClinGen allele CA10638457.